The following is an entry in ClinVar:

NM_000521.4(HEXB):c.236T>C (p.Ile79Thr)

Gene: HEXB (hexosaminidase subunit beta; plus strand). Cytogenetic location: 5q13.3.
Variant type: single nucleotide variant.
Coding change: c.236T>C on transcript NM_000521.4 (MANE Select); coding-DNA position 236, T replaced by C.
Protein change: p.Ile79Thr; replaces isoleucine 79 with threonine.
Molecular consequence: missense variant. On other transcripts: intron variant (1).
Genome position (GRCh38, 1-based): chr5:74,685,496, T>C. VCF-style: chr5-74685496-T-C. GRCh37 (hg19) VCF-style: chr5-73981321-T-C.
Other names: c.-376-3832T>C (NM_001292004.2); short protein forms I79T.
Identifiers: ClinVar variation 2189809 (VCV002189809.3), dbSNP rs2478687679, ClinGen allele CA360062402.

ClinVar aggregate classification (germline): Uncertain significance (1 of 4 stars; one submission).

Conditions:
Sandhoff disease. Also called: Beta-hexosaminidase-beta-subunit deficiency; GM2 gangliosidosis, type 2; Total hexosaminidase deficiency; Sandhoff-Jatzkewitz-Pilz disease; GM2-GANGLIOSIDOSIS, TYPE II; HEXOSAMINIDASES A AND B DEFICIENCY. Identifiers: Orphanet 796, MedGen C0036161, MONDO:0010006, OMIM 268800.

Submission:

Labcorp Genetics (formerly Invitae), Labcorp
Classification: Uncertain significance for Sandhoff disease. Last evaluated: 2024-11-04. Review status: criteria provided, single submitter. Criteria: Invitae Variant Classification Sherloc (09022015). Collection method: clinical testing. Allele origin: germline.
Comment: This sequence change replaces isoleucine, which is neutral and non-polar, with threonine, which is neutral and polar, at codon 79 of the HEXB protein (p.Ile79Thr). This variant is not present in population databases (gnomAD no frequency). This variant has not been reported in the literature in individuals affected with HEXB-related conditions. ClinVar contains an entry for this variant (Variation ID: 2189809). Invitae Evidence Modeling of protein sequence and biophysical properties (such as structural, functional, and spatial information, amino acid conservation, physicochemical variation, residue mobility, and thermodynamic stability) has been performed for this missense variant. However, the output from this modeling did not meet the statistical confidence thresholds required to predict the impact of this variant on HEXB protein function. In summary, the available evidence is currently insufficient to determine the role of this variant in disease. Therefore, it has been classified as a Variant of Uncertain Significance.